The following is an entry in ClinVar:

ClinVar aggregate classification (germline): Uncertain significance (1 of 4 stars; one submission).

Submission:

Labcorp Genetics (formerly Invitae), Labcorp
Classification: Uncertain significance. Last evaluated: 2024-07-15. Review status: criteria provided, single submitter. Criteria: Invitae Variant Classification Sherloc (09022015). Collection method: clinical testing. Allele origin: germline.
Comment: This sequence change replaces proline, which is neutral and non-polar, with alanine, which is neutral and non-polar, at codon 3026 of the SZT2 protein (p.Pro3026Ala). This variant is not present in population databases (gnomAD no frequency). This variant has not been reported in the literature in individuals affected with SZT2-related conditions. Advanced modeling of protein sequence and biophysical properties (such as structural, functional, and spatial information, amino acid conservation, physicochemical variation, residue mobility, and thermodynamic stability) performed at Invitae indicates that this missense variant is expected to disrupt SZT2 protein function with a positive predictive value of 80%. In summary, the available evidence is currently insufficient to determine the role of this variant in disease. Therefore, it has been classified as a Variant of Uncertain Significance.

NM_001365999.1(SZT2):c.9247C>G (p.Pro3083Ala)

Gene: SZT2 (SZT2 subunit of KICSTOR complex; plus strand). Cytogenetic location: 1p34.2.
Variant type: single nucleotide variant.
Coding change: c.9247C>G on transcript NM_001365999.1 (MANE Select); coding-DNA position 9247, C replaced by G.
Protein change: p.Pro3083Ala; replaces proline 3083 with alanine.
Molecular consequence: missense variant.
Genome position (GRCh38, 1-based): chr1:43,447,129, C>G. VCF-style: chr1-43447129-C-G. GRCh37 (hg19) VCF-style: chr1-43912800-C-G.
Other names: c.9076C>G, p.Pro3026Ala (NM_015284.4); short protein forms P3026A, P3083A.
Identifiers: ClinVar variation 3695157 (VCV003695157.2).
Genomic context (GRCh38, chr1:43,447,129, plus strand): 5'-CTGGTGCTGCGGCACGGCTACCACCTCACCACCTTTCTGCGACACTTCCTGGCCCACCAC[C>G]CTGACGGACCCCACTTTGGCCGCAATCACATTTACCAAGGTCAGTGCCCAAGGGCAAGCC-3'
Protein context (NP_001352928.1, residues 3073-3093): TFLRHFLAHH[Pro3083Ala]DGPHFGRNHI